The following is an entry in ClinVar:

ClinVar aggregate classification (germline): Benign. Review status: criteria provided, multiple submitters, no conflicts (2 of 4 stars). 2 submissions from 2 submitters: Benign (2). Last evaluated 2017-04-27.

Conditions:
Amyotrophic neuralgia (HNA). Also called: AMYOTROPHY, HEREDITARY NEURALGIC; Hereditary Brachial Plexus Neuropathy; Neuritis with Brachial Predilection; AMYOTROPHY, HEREDITARY NEURALGIC, WITH PREDILECTION FOR BRACHIAL PLEXUS. Identifiers: Orphanet 2901, MedGen C1834304, MONDO:0008076, OMIM 162100.

Allele frequency attached by ClinVar (database versions not stated): gnomAD exomes 0.02060; gnomAD 0.09156 and 0.09627; TOPMed 0.10250; 1000 Genomes Project 0.11681; 1000 Genomes Project 30x 0.11946.
gnomAD v4.1: 18,999 of 398,170 alleles (4.8%); highest among the groups gnomAD compares: African/African-American, 30%; 2,432 homozygotes.

Submissions (6):

Illumina Laboratory Services, Illumina
Classification: Benign for Amyotrophy, hereditary neuralgic. Last evaluated: 2017-04-27. Review status: criteria provided, single submitter. Criteria: ICSL Variant Classification Criteria 13 December 2019. Collection method: clinical testing. Allele origin: germline.
Comment: This variant was observed as part of a predisposition screen in an ostensibly healthy population. A literature search was performed for the gene, cDNA change, and amino acid change (where applicable). No publications were found based on this search. Allele frequency data from public databases was too high to be consistent with this variant causing disease. Therefore, this variant is classified as benign.

Breakthrough Genomics
Classification: Benign. Review status: criteria provided, single submitter. Criteria: ACMG Guidelines, 2015. Collection method: not provided. Allele origin: germline. Inheritance: Autosomal dominant inheritance. Affected: yes.

Dr. Peter K. Rogan Lab, Western University
No classification provided (evidence only). Condition: Uterine corpus endometrial carcinoma. Review status: no classification provided. Collection method: in vitro. Allele origin: not applicable. Functional consequence: retained intron. Not counted in ClinVar's aggregate classification.

Dr. Peter K. Rogan Lab, Western University
No classification provided (evidence only). Condition: Uterine corpus endometrial carcinoma. Review status: no classification provided. Collection method: in vitro. Allele origin: not applicable. Functional consequence: retained intron. Not counted in ClinVar's aggregate classification.

Dr. Peter K. Rogan Lab, Western University
No classification provided (evidence only). Condition: Uterine carcinosarcoma. Review status: no classification provided. Collection method: in vitro. Allele origin: not applicable. Functional consequence: retained intron. Not counted in ClinVar's aggregate classification.

Dr. Peter K. Rogan Lab, Western University
No classification provided (evidence only). Condition: Malignant tumor of esophagus. Review status: no classification provided. Collection method: in vitro. Allele origin: not applicable. Functional consequence: retained intron. Not counted in ClinVar's aggregate classification.

NM_001113491.2(SEPTIN9):c.*1035G>A

Gene: SEPTIN9 (septin 9; plus strand). Cytogenetic location: 17q25.3.
Variant type: single nucleotide variant.
Coding change: c.*1035G>A on transcript NM_001113491.2 (MANE Select); 1035 bases downstream of the stop codon, G replaced by A.
Molecular consequence: 3 prime UTR variant.
Genome position (GRCh38, 1-based): chr17:77,499,693, G>A. VCF-style: chr17-77499693-G-A. GRCh37 (hg19) VCF-style: chr17-75495775-G-A.
Other names: NC_000017.10:g.75495775G>A; c.*1035G>A (NM_001113492.2, NM_001113493.2, NM_001113494.1 and 7 more transcripts).
Identifiers: ClinVar variation 325606 (VCV000325606.7), dbSNP rs368116, ClinGen allele CA10651183.